The following is an entry in ClinVar:

NM_001387283.1(SMARCA4):c.4238G>A (p.Gly1413Asp)

Gene: SMARCA4 (SWI/SNF related BAF chromatin remodeling complex subunit ATPase 4; plus strand). Cytogenetic location: 19p13.2.
Variant type: single nucleotide variant.
Coding change: c.4238G>A on transcript NM_001387283.1 (MANE Plus Clinical); coding-DNA position 4238, G replaced by A.
Protein change: p.Gly1413Asp; replaces glycine 1413 with aspartic acid.
Molecular consequence: missense variant. On other transcripts: intron variant (7).
Genome position (GRCh38, 1-based): chr19:11,039,525, G>A. VCF-style: chr19-11039525-G-A. GRCh37 (hg19) VCF-style: chr19-11150201-G-A.
Other names: c.4238G>A, p.Gly1413Asp (NM_001128849.3); c.4139G>A, p.Gly1380Asp (NM_001411150.1); c.4171-1782G>A (NM_001128844.3, NM_003072.5); c.4072-1782G>A (NM_001128847.4, NM_001374457.1, NM_001128848.2); c.4072-1773G>A (NM_001128845.2, NM_001128846.2); short protein forms G1380D, G1413D.
Identifiers: ClinVar variation 5029834 (VCV005029834.1).

ClinVar aggregate classification (germline): Uncertain significance (1 of 4 stars; one submission).

Conditions:
Hereditary cancer-predisposing syndrome. Also called: Neoplastic Syndromes, Hereditary; Tumor predisposition; Hereditary neoplastic syndrome; Hereditary Cancer Syndrome. Identifiers: Orphanet 140162, MedGen C0027672, MeSH D009386, MONDO:0015356.

gnomAD v4.1: 1 of 1,604,108 alleles (0.000062%); highest among the groups gnomAD compares: Non-Finnish European, 0.000085%; no homozygotes.

Submission:

Ambry Genetics
Classification: Uncertain significance for Hereditary cancer-predisposing syndrome. Last evaluated: 2026-07-06. Review status: criteria provided, single submitter. Criteria: Ambry Variant Classification Scheme 2023. Collection method: clinical testing. Allele origin: germline.
Comment: The p.G1413D variant (also known as c.4238G>A), located in coding exon 29 of the SMARCA4 gene, results from a G to A substitution at nucleotide position 4238. The glycine at codon 1413 is replaced by aspartic acid, an amino acid with similar properties. This amino acid position is conserved. In addition, this alteration is predicted to be tolerated by in silico analysis. Based on the available evidence, the clinical significance of this variant remains unclear.